The following is an entry in ClinVar:

ClinVar aggregate classification (germline): Uncertain significance. Review status: criteria provided, multiple submitters, no conflicts (2 of 4 stars). 2 submissions from 2 submitters: Uncertain significance (2). Last evaluated 2026-04-18.

Conditions:
Cardiovascular phenotype. Identifiers: MedGen CN230736.
Ehlers-Danlos syndrome, musculocontractural type (EDSMC). Also called: Adducted thumb, clubfoot, progressive joint and skin laxity syndrome; ARTHROGRYPOSIS, DISTAL, WITH PECULIAR FACIES AND HYDRONEPHROSIS; ADDUCTED THUMB-CLUBFOOT SYNDROME; DUNDAR SYNDROME. Identifiers: Orphanet 2953, MedGen C1866294, MONDO:0011142.

Allele frequency attached by ClinVar (database versions not stated): TOPMed 0.00001; ESP Exome Variant Server 0.00008; ExAC 0.00001; gnomAD 0.00001; gnomAD exomes 0.00001.

Submissions (2):

Ambry Genetics
Classification: Uncertain significance for Cardiovascular phenotype. Last evaluated: 2026-04-18. Review status: criteria provided, single submitter. Criteria: Ambry Variant Classification Scheme 2023. Collection method: clinical testing. Allele origin: germline.
Comment: The p.V291M variant (also known as c.871G>A), located in coding exon 1 of the CHST14 gene, results from a G to A substitution at nucleotide position 871. The valine at codon 291 is replaced by methionine, an amino acid with highly similar properties. This amino acid position is conserved. In addition, this alteration is predicted to be tolerated by in silico analysis. Based on the available evidence, the clinical significance of this variant remains unclear.

Labcorp Genetics (formerly Invitae), Labcorp
Classification: Uncertain significance for Ehlers-Danlos syndrome, musculocontractural type. Last evaluated: 2021-05-25. Review status: criteria provided, single submitter. Criteria: Invitae Variant Classification Sherloc (09022015). Collection method: clinical testing. Allele origin: germline.
Comment: This sequence change replaces valine with methionine at codon 291 of the CHST14 protein (p.Val291Met). The valine residue is moderately conserved and there is a small physicochemical difference between valine and methionine. This variant is present in population databases (rs369563820, ExAC 0.001%). This variant has not been reported in the literature in individuals with CHST14-related conditions. Algorithms developed to predict the effect of missense changes on protein structure and function are either unavailable or do not agree on the potential impact of this missense change (SIFT: "Tolerated"; PolyPhen-2: "Possibly Damaging"; Align-GVGD: "Class C0"). In summary, the available evidence is currently insufficient to determine the role of this variant in disease. Therefore, it has been classified as a Variant of Uncertain Significance.

NM_130468.4(CHST14):c.871G>A (p.Val291Met)

Gene: CHST14 (carbohydrate sulfotransferase 14; plus strand). Cytogenetic location: 15q15.1.
Variant type: single nucleotide variant.
Coding change: c.871G>A on transcript NM_130468.4 (MANE Select); coding-DNA position 871, G replaced by A.
Protein change: p.Val291Met; replaces valine 291 with methionine.
Molecular consequence: missense variant.
Genome position (GRCh38, 1-based): chr15:40,472,084, G>A. VCF-style: chr15-40472084-G-A. GRCh37 (hg19) VCF-style: chr15-40764283-G-A.
Other names: c.871G>A (NM_130468.3); short protein forms V291M.
Identifiers: ClinVar variation 1482217 (VCV001482217.9), dbSNP rs369563820, ClinGen allele CA7481662.